The following is an entry in ClinVar:

NM_001040142.2(SCN2A):c.1519A>T (p.Lys507Ter)

Gene: SCN2A (sodium voltage-gated channel alpha subunit 2; plus strand). Cytogenetic location: 2q24.3.
Variant type: single nucleotide variant.
Coding change: c.1519A>T on transcript NM_001040142.2 (MANE Select); coding-DNA position 1519, A replaced by T.
Protein change: p.Lys507Ter; replaces lysine 507 with a stop codon.
Molecular consequence: nonsense.
Genome position (GRCh38, 1-based): chr2:165,315,606, A>T. VCF-style: chr2-165315606-A-T. GRCh37 (hg19) VCF-style: chr2-166172116-A-T.
Other names: c.1519A>T, p.Lys507Ter (NM_001040143.2, NM_001371246.1, NM_001371247.1 and 1 more transcripts); short protein forms K507*.
Identifiers: ClinVar variation 3759311 (VCV003759311.2).

ClinVar aggregate classification (germline): Pathogenic (1 of 4 stars; one submission).

Conditions:
Developmental and epileptic encephalopathy, 11 (DEE11). Also called: Early infantile epileptic encephalopathy 11. Identifiers: Orphanet 1934, MedGen C3150987, MONDO:0013388, OMIM 613721.
Seizures, benign familial infantile, 3 (BFIS3). Also called: CONVULSIONS, BENIGN FAMILIAL INFANTILE, 3; Familial neonatal seizures. Identifiers: Orphanet 140927, Orphanet 306, MedGen C1843140, MONDO:0011904, OMIM 607745.

Submission:

Labcorp Genetics (formerly Invitae), Labcorp
Classification: Pathogenic for Seizures, benign familial infantile, 3; Developmental and epileptic encephalopathy, 11. Last evaluated: 2024-09-30. Review status: criteria provided, single submitter. Criteria: Invitae Variant Classification Sherloc (09022015). Collection method: clinical testing. Allele origin: germline.
Comment: This sequence change creates a premature translational stop signal (p.Lys507*) in the SCN2A gene. It is expected to result in an absent or disrupted protein product. Loss-of-function variants in SCN2A are known to be pathogenic (PMID: 28379373). This variant is not present in population databases (gnomAD no frequency). This variant has not been reported in the literature in individuals affected with SCN2A-related conditions. For these reasons, this variant has been classified as Pathogenic.

Literature cited by the submitters: PubMed 28379373.